The following is an entry in ClinVar:

NM_014241.4(HACD1):c.373_375+2del

Gene: HACD1 (3-hydroxyacyl-CoA dehydratase 1; minus strand). Cytogenetic location: 10p12.33.
Variant type: Deletion.
Coding change: c.373_375+2del on transcript NM_014241.4 (MANE Select); coding-DNA position 373 through the canonical splice donor site of the intron after coding-DNA position 375, 5 bases deleted (GAGGT; older notation c.373_375+2delGAGGT).
Molecular consequence: splice donor variant.
Genome position (GRCh38, 1-based): chr10:17,603,928-17,603,932, ACCTC deleted on the plus strand (GAGGT on the coding strand, the reverse complement: HACD1 is on the minus strand); deleting any 5 consecutive bases within chr10:17,603,928-17,603,933 gives the same sequence; the c. name uses the placement nearest the transcript's 3' end. VCF-style (leftmost placement, unchanged base first): chr10-17603927-TACCTC-T. GRCh37 (hg19) VCF-style: chr10-17645926-TACCTC-T.
Other names: c.373_375+2delGAGGT (NM_014241.4).
Identifiers: ClinVar variation 1515844 (VCV001515844.9), dbSNP rs1426156076, ClinGen allele CA662414920.

ClinVar aggregate classification (germline): Pathogenic. Review status: criteria provided, multiple submitters, no conflicts (2 of 4 stars). 3 submissions from 3 submitters: Pathogenic (2). 1 of the submissions does not count toward it. Last evaluated 2025-07-25.

Conditions:
Congenital myopathy 11. Also called: Myopathy, congenital, nonprogressive. Identifiers: MedGen C3151531, MONDO:0859264, OMIM 619967.

Submissions (3):

Labcorp Genetics (formerly Invitae), Labcorp
Classification: Pathogenic. Last evaluated: 2025-07-25. Review status: criteria provided, single submitter. Criteria: Invitae Variant Classification Sherloc (09022015). Collection method: clinical testing. Allele origin: germline.
Comment: This variant results in the deletion of part of exon 2 (c.373_375+2del) of the HACD1 gene. It is expected to disrupt RNA splicing. Variants that disrupt the donor or acceptor splice site typically lead to a loss of protein function (PMID: 16199547), and loss-of-function variants in HACD1 are known to be pathogenic (PMID: 23933735). This variant is not present in population databases (gnomAD no frequency). This variant has been observed in individuals with clinical features of congenital myopathy (internal data). ClinVar contains an entry for this variant (Variation ID: 1515844). For these reasons, this variant has been classified as Pathogenic.

Dasa
Classification: Pathogenic. Last evaluated: 2024-09-19. Review status: criteria provided, single submitter. Criteria: DASA Assertion Criteria. Collection method: clinical testing. Allele origin: germline.
Comment: NM_014241.4(HACD1):c.373_375+2del affects a canonical splice site and is predicted to disrupt normal RNA splicing, leading to loss of normal protein function. Loss-of-function is an established mechanism of disease for this gene. The variant is present at low frequency in population datasets. Based on the available data, this variant is classified as pathogenic.

OMIM
Classification: Pathogenic for CONGENITAL MYOPATHY 11. Last evaluated: 2024-07-16. Review status: no assertion criteria provided. Collection method: literature only. Allele origin: germline. Not counted in ClinVar's aggregate classification.

Literature cited by the submitters: PubMed 16199547 (cited by Labcorp Genetics (formerly Invitae), Labcorp); PubMed 23933735 (cited by Labcorp Genetics (formerly Invitae), Labcorp); PubMed 33354762 (cited by OMIM).